The following is an entry in ClinVar:

ClinVar aggregate classification (germline): Uncertain significance. Review status: criteria provided, single submitter (1 of 4 stars). 3 submissions from 3 submitters: Uncertain significance (1). 2 of the submissions do not count toward it. Last evaluated 2025-08-17.

Conditions:
Emery-Dreifuss muscular dystrophy 4, autosomal dominant (EDMD4). Also called: EMERY-DREIFUSS MUSCULAR DYSTROPHY 4 WITH VARIABLE FEATURES. Identifiers: Orphanet 261, MedGen C2751807, MONDO:0013071, OMIM 612998.
Autosomal recessive ataxia, Beauce type. Also called: ATAXIA, RECESSIVE, OF BEAUCE; Spinocerebellar ataxia, autosomal recessive 8; SYNE1 Deficiency; SYNE1-Related Autosomal Recessive Cerebellar Ataxia. Identifiers: Orphanet 88644, MedGen C1853116, MONDO:0012549, OMIM 610743.

Allele frequency attached by ClinVar (database versions not stated): TOPMed 0.00009; ESP Exome Variant Server 0.00015; gnomAD exomes 0.00003; gnomAD 0.00005 and 0.00006; ExAC 0.00006.
gnomAD v4.1: 46 of 1,614,040 alleles (0.0028%); highest among the groups gnomAD compares: African/African-American, 0.017%; no homozygotes.

Submissions (3):

Labcorp Genetics (formerly Invitae), Labcorp
Classification: Uncertain significance for Emery-Dreifuss muscular dystrophy 4, autosomal dominant; Autosomal recessive ataxia, Beauce type. Last evaluated: 2025-08-17. Review status: criteria provided, single submitter. Criteria: Invitae Variant Classification Sherloc (09022015). Collection method: clinical testing. Allele origin: germline.
Comment: This sequence change replaces serine, which is neutral and polar, with leucine, which is neutral and non-polar, at codon 4332 of the SYNE1 protein (p.Ser4332Leu). This variant is present in population databases (rs139490297, gnomAD 0.02%). This variant has not been reported in the literature in individuals affected with SYNE1-related conditions. ClinVar contains an entry for this variant (Variation ID: 1174660). An algorithm developed to predict the effect of missense changes on protein structure and function (PolyPhen-2) suggests that this variant is likely to be tolerated. In summary, the available evidence is currently insufficient to determine the role of this variant in disease. Therefore, it has been classified as a Variant of Uncertain Significance.

Clinical Genetics DNA and cytogenetics Diagnostics Lab, Erasmus MC, Erasmus Medical Center
Classification: Likely benign. Review status: no assertion criteria provided. Collection method: clinical testing. Allele origin: germline. Affected: yes. Study: VKGL Data-share Consensus. Not counted in ClinVar's aggregate classification.

Diagnostic Laboratory, Department of Genetics, University Medical Center Groningen
Classification: Likely benign. Review status: no assertion criteria provided. Collection method: clinical testing. Allele origin: germline. Affected: yes. Study: VKGL Data-share Consensus. Not counted in ClinVar's aggregate classification.

NM_182961.4(SYNE1):c.13208C>T (p.Ser4403Leu)

Gene: SYNE1 (spectrin repeat containing nuclear envelope protein 1; minus strand). Cytogenetic location: 6q25.2.
Variant type: single nucleotide variant.
Coding change: c.13208C>T on transcript NM_182961.4 (MANE Select); coding-DNA position 13208, C replaced by T.
Protein change: p.Ser4403Leu; replaces serine 4403 with leucine.
Molecular consequence: missense variant.
Genome position (GRCh38, 1-based): chr6:152,331,477, G>A on the plus strand (C>T on the coding strand, the complement: SYNE1 is on the minus strand). VCF-style: chr6-152331477-G-A. GRCh37 (hg19) VCF-style: chr6-152652612-G-A.
Other names: c.12995C>T, p.Ser4332Leu (NM_033071.5); short protein forms S4332L, S4403L.
Identifiers: ClinVar variation 1174660 (VCV001174660.9), dbSNP rs139490297, ClinGen allele CA4056225.